The following is an entry in ClinVar:

ClinVar aggregate classification (germline): Uncertain significance (1 of 4 stars; one submission).

Submission:

Labcorp Genetics (formerly Invitae), Labcorp
Classification: Uncertain significance. Last evaluated: 2023-01-22. Review status: criteria provided, single submitter. Criteria: Invitae Variant Classification Sherloc (09022015). Collection method: clinical testing. Allele origin: germline.
Comment: In summary, the available evidence is currently insufficient to determine the role of this variant in disease. Therefore, it has been classified as a Variant of Uncertain Significance. Algorithms developed to predict the effect of missense changes on protein structure and function (SIFT, PolyPhen-2, Align-GVGD) all suggest that this variant is likely to be tolerated. This variant has not been reported in the literature in individuals affected with ASXL1-related conditions. This variant is not present in population databases (gnomAD no frequency). This sequence change replaces cysteine, which is neutral and slightly polar, with serine, which is neutral and polar, at codon 759 of the ASXL1 protein (p.Cys759Ser).

NM_015338.6(ASXL1):c.2276G>C (p.Cys759Ser)

Gene: ASXL1 (ASXL transcriptional regulator 1; plus strand). Cytogenetic location: 20q11.21.
Variant type: single nucleotide variant.
Coding change: c.2276G>C on transcript NM_015338.6 (MANE Select); coding-DNA position 2276, G replaced by C.
Protein change: p.Cys759Ser; replaces cysteine 759 with serine.
Molecular consequence: missense variant.
Genome position (GRCh38, 1-based): chr20:32,434,988, G>C. VCF-style: chr20-32434988-G-C. GRCh37 (hg19) VCF-style: chr20-31022791-G-C.
Other names: c.2093G>C, p.Cys698Ser (NM_001363734.1); short protein forms C698S, C759S.
Identifiers: ClinVar variation 2830995 (VCV002830995.3), dbSNP rs2145365824, ClinGen allele CA408559474.